The following is an entry in ClinVar:

NM_000397.4(CYBB):c.337+1G>T

Gene: CYBB (cytochrome b-245 beta chain; plus strand). Cytogenetic location: Xp21.1.
Variant type: single nucleotide variant.
Coding change: c.337+1G>T on transcript NM_000397.4 (MANE Select); the canonical splice donor site of the intron after coding-DNA position 337, G replaced by T.
Molecular consequence: splice donor variant.
Genome position (GRCh38, 1-based): chrX:37,792,060, G>T. VCF-style: chrX-37792060-G-T. GRCh37 (hg19) VCF-style: chrX-37651313-G-T.
Identifiers: ClinVar variation 265087 (VCV000265087.2), dbSNP rs886039333, ClinGen allele CA10588772.
Genomic context (GRCh38, chrX:37,792,060, plus strand): 5'-AACTGGACAGGAATCTCACCTTTCATAAAATGGTGGCATGGATGATTGCACTTCACTCTG[G>T]TAAGTTTATTAAAGAAAACTTGGAACCAGGGAGTTCCCTCTATTCATAGATACCTTTTTA-3'

ClinVar aggregate classification (germline): Pathogenic (1 of 4 stars; one submission).

Submission:

GeneDx
Classification: Pathogenic. Last evaluated: 2016-03-03. Review status: criteria provided, single submitter. Criteria: GeneDx Variant Classification (06012015). Collection method: clinical testing. Allele origin: germline. Affected: yes.
Comment: The c.337+1 G>T splice site variant in the CYBB gene has been previously reported in association with X-linked CGD (Roos et al., 2010). This pathogenic variant destroys the canonical splice donor site in intron 4, and is expected to cause abnormal gene splicing. The c.337+1 G>T variant was not observed in approximately 6,500 individuals of European and African American ancestry in the NHLBI Exome Sequencing Project, indicating it is not a common benign variant in these populations.